The following is an entry in ClinVar:

NM_000548.5(TSC2):c.1563dup (p.His522fs)

Gene: TSC2 (TSC complex subunit 2; plus strand). Cytogenetic location: 16p13.3.
Variant type: Duplication.
Coding change: c.1563dup on transcript NM_000548.5 (MANE Select); coding-DNA position 1563, one base duplicated (A; older notation c.1563dupA).
Protein change: p.His522fs; shifts the reading frame from histidine 522.
Molecular consequence: frameshift variant.
Genome position (GRCh38, 1-based): chr16:2,064,391, A duplicated. VCF-style (leftmost placement, unchanged base first): chr16-2064390-C-CA. GRCh37 (hg19) VCF-style: chr16-2114391-C-CA.
Other names: c.1563dup, p.His522fs (NM_001077183.3, NM_001114382.3, NM_001363528.2 and 3 more transcripts); c.1452dup, p.His485fs (NM_001318827.2); c.1416dup, p.His473fs (NM_001318829.2); c.963dup, p.His322fs (NM_001318831.2); c.1596dup, p.His533fs (NM_001318832.2); short protein forms H322fs, H473fs, H485fs, H522fs, H533fs.
Identifiers: ClinVar variation 50133 (VCV000050133.4), dbSNP rs137854023, ClinGen allele CA015064.

ClinVar aggregate classification (germline): Pathogenic. Review status: criteria provided, single submitter (1 of 4 stars). 2 submissions from 2 submitters: Pathogenic (1). 1 of the submissions does not count toward it. Last evaluated 2019-10-01.

Conditions:
Tuberous sclerosis syndrome (TSC). Also called: Tuberous Sclerosis Complex; Tuberous sclerosis. Identifiers: Orphanet 805, MedGen C0041341, MONDO:0001734.

Submissions (2):

GeneDx
Classification: Pathogenic. Last evaluated: 2019-10-01. Review status: criteria provided, single submitter. Criteria: GeneDx Variant Classification Process June 2021. Collection method: clinical testing. Allele origin: germline. Affected: yes.
Comment: Frameshift variant predicted to result in protein truncation or nonsense mediated decay in a gene for which loss-of-function is a known mechanism of disease; Not observed in large population cohorts (Lek et al., 2016); Has not been previously published as pathogenic or benign to our knowledge

Tuberous sclerosis database (TSC2)
No classification provided. Condition: TSC. Review status: no classification provided. Criteria: Tuberous Sclerosis Database Assertion Criteria 2015. Collection method: curation. Allele origin: germline. Affected: yes. Not counted in ClinVar's aggregate classification.